The following is an entry in ClinVar:

NM_014629.4(ARHGEF10):c.2734A>G (p.Ile912Val)

Gene: ARHGEF10 (Rho guanine nucleotide exchange factor 10; plus strand). Cytogenetic location: 8p23.3.
Variant type: single nucleotide variant.
Coding change: c.2734A>G on transcript NM_014629.4 (MANE Select); coding-DNA position 2734, A replaced by G.
Protein change: p.Ile912Val; replaces isoleucine 912 with valine.
Molecular consequence: missense variant.
Genome position (GRCh38, 1-based): chr8:1,928,463, A>G. VCF-style: chr8-1928463-A-G. GRCh37 (hg19) VCF-style: chr8-1876629-A-G.
Other names: c.2620A>G, p.Ile874Val (NM_001308152.2); c.2734A>G, p.Ile912Val (NM_001308153.3); short protein forms I874V, I912V, I936V.
Identifiers: ClinVar variation 2874230 (VCV002874230.4), dbSNP rs765856260, ClinGen allele CA4601054.

ClinVar aggregate classification (germline): Uncertain significance. Review status: criteria provided, multiple submitters, no conflicts (2 of 4 stars). 2 submissions from 2 submitters: Uncertain significance (2). Last evaluated 2024-05-02.

Allele frequency attached by ClinVar (database versions not stated): gnomAD 0.00001; gnomAD exomes 0.00001; ExAC 0.00002; TOPMed 0.00002.
gnomAD v4.1: 9 of 1,613,916 alleles (0.00056%); highest among the groups gnomAD compares: East Asian, 0.0022%; no homozygotes.

Submissions (2):

Ambry Genetics
Classification: Uncertain significance. Last evaluated: 2024-05-02. Review status: criteria provided, single submitter. Criteria: Ambry Variant Classification Scheme 2023. Collection method: clinical testing. Allele origin: germline.

Labcorp Genetics (formerly Invitae), Labcorp
Classification: Uncertain significance. Last evaluated: 2023-10-04. Review status: criteria provided, single submitter. Criteria: Invitae Variant Classification Sherloc (09022015). Collection method: clinical testing. Allele origin: germline.
Comment: This sequence change replaces isoleucine, which is neutral and non-polar, with valine, which is neutral and non-polar, at codon 912 of the ARHGEF10 protein (p.Ile912Val). This variant is present in population databases (rs765856260, gnomAD 0.006%). This variant has not been reported in the literature in individuals affected with ARHGEF10-related conditions. Advanced modeling of protein sequence and biophysical properties (such as structural, functional, and spatial information, amino acid conservation, physicochemical variation, residue mobility, and thermodynamic stability) performed at Invitae indicates that this missense variant is not expected to disrupt ARHGEF10 protein function. In summary, the available evidence is currently insufficient to determine the role of this variant in disease. Therefore, it has been classified as a Variant of Uncertain Significance.